The following is an entry in ClinVar:

ClinVar aggregate classification (germline): Conflicting classifications of pathogenicity. Review status: criteria provided, conflicting classifications (1 of 4 stars). 9 submissions from 5 submitters: Uncertain significance (7); Likely benign (2). Last evaluated 2024-08-29.

Conditions:
Cardiovascular phenotype. Identifiers: MedGen CN230736.
Early-onset myopathy with fatal cardiomyopathy (CMYO5). Also called: Salih Myopathy; CONGENITAL MYOPATHY 5 WITH CARDIOMYOPATHY. Identifiers: Orphanet 289377, MedGen C2673677, MONDO:0012714, OMIM 611705. Disease mechanism: loss of function.
Dilated cardiomyopathy 1G (CMD1G). Identifiers: Orphanet 154, MedGen C1858763, MONDO:0011400, OMIM 604145.
Autosomal recessive limb-girdle muscular dystrophy type 2J (LGMDR10). Also called: Limb-girdle muscular dystrophy, type 2J; MUSCULAR DYSTROPHY, LIMB-GIRDLE, AUTOSOMAL RECESSIVE 10. Identifiers: Orphanet 140922, MedGen C1837342, MONDO:0012127, OMIM 608807.
Tibial muscular dystrophy (TMD). Also called: Tibial muscular dystrophy, tardive; UDD MYOPATHY; Udd Distal Myopathy – Tibial Muscular Dystrophy. Identifiers: Orphanet 609, MedGen C1838244, MONDO:0010870, OMIM 600334.
Myopathy, myofibrillar, 9, with early respiratory failure (MFM9). Also called: EDSTROM MYOPATHY; MYOPATHY, PROXIMAL, WITH EARLY RESPIRATORY MUSCLE INVOLVEMENT; Myopathy, distal, with early respiratory failure, autosomal dominant; Hereditary myopathy with early respiratory failure. Identifiers: Orphanet 178464, Orphanet 34521, MedGen C1863599, MONDO:0011362, OMIM 603689.

Allele frequency attached by ClinVar (database versions not stated): TOPMed 0.00002.
gnomAD v4.1: 55 of 1,602,390 alleles (0.0034%); highest among the groups gnomAD compares: Middle Eastern, 0.05%; no homozygotes.

Submissions (9):

Revvity Omics, Revvity
Classification: Uncertain significance. Last evaluated: 2024-08-29. Review status: criteria provided, single submitter. Criteria: ACMG Guidelines, 2015. Collection method: clinical testing. Allele origin: germline.

CeGaT Center for Human Genetics Tuebingen
Classification: Uncertain significance. Last evaluated: 2024-01-01. Review status: criteria provided, single submitter. Criteria: CeGaT Center For Human Genetics Tuebingen Variant Classification Criteria Version 2. Collection method: clinical testing. Allele origin: germline. Affected: yes. Observed: 1 variant allele.
Comment: TTN: PM2, BP4

Ambry Genetics
Classification: Uncertain significance for Cardiovascular phenotype. Last evaluated: 2019-10-02. Review status: criteria provided, single submitter. Criteria: Ambry Variant Classification Scheme 2023. Collection method: clinical testing. Allele origin: germline.
Comment: The p.H8500D variant (also known as c.25498C>G), located in coding exon 102 of the TTN gene, results from a C to G substitution at nucleotide position 25498. The histidine at codon 8500 is replaced by aspartic acid, an amino acid with similar properties. This amino acid position is poorly conserved in available vertebrate species. In addition, this alteration is predicted to be tolerated by in silico analysis. Since supporting evidence is limited at this time, the clinical significance of this alteration remains unclear.

Illumina Laboratory Services, Illumina
Classification: Likely benign for Myopathy, myofibrillar, 9, with early respiratory failure. Last evaluated: 2018-01-13. Review status: criteria provided, single submitter. Criteria: ICSL Variant Classification Criteria 13 December 2019. Collection method: clinical testing. Allele origin: germline.
Comment: This variant was observed in the ICSL laboratory as part of a predisposition screen in an ostensibly healthy population. It had not been previously curated by ICSL or reported in the Human Gene Mutation Database (HGMD: prior to June 1st, 2018), and was therefore a candidate for classification through an automated scoring system. Utilizing variant allele frequency, disease prevalence and penetrance estimates, and inheritance mode, an automated score was calculated to assess if this variant is too frequent to cause the disease. Based on the score and internal cut-off values, a variant classified as likely benign is not then subjected to further curation. The score for this variant resulted in a classification of likely benign for this disease.

Illumina Laboratory Services, Illumina
Classification: Uncertain significance for Dilated cardiomyopathy 1G. Last evaluated: 2018-01-13. Review status: criteria provided, single submitter. Criteria: ICSL Variant Classification Criteria 13 December 2019. Collection method: clinical testing. Allele origin: germline.

Illumina Laboratory Services, Illumina
Classification: Likely benign for Tibial muscular dystrophy. Last evaluated: 2018-01-13. Review status: criteria provided, single submitter. Criteria: ICSL Variant Classification Criteria 13 December 2019. Collection method: clinical testing. Allele origin: germline.
Comment: the same text as in the submission from Illumina Laboratory Services, Illumina above.

Illumina Laboratory Services, Illumina
Classification: Uncertain significance for Autosomal recessive limb-girdle muscular dystrophy type 2J. Last evaluated: 2018-01-13. Review status: criteria provided, single submitter. Criteria: ICSL Variant Classification Criteria 13 December 2019. Collection method: clinical testing. Allele origin: germline.

Illumina Laboratory Services, Illumina
Classification: Uncertain significance for Early-onset myopathy with fatal cardiomyopathy. Last evaluated: 2018-01-13. Review status: criteria provided, single submitter. Criteria: ICSL Variant Classification Criteria 13 December 2019. Collection method: clinical testing. Allele origin: germline.

GeneDx
Classification: Uncertain significance. Last evaluated: 2013-01-04. Review status: criteria provided, single submitter. Criteria: GeneDx Variant Classification (06012015). Collection method: clinical testing. Allele origin: germline. Affected: yes.
Comment: Missense variants in the TTN gene are considered 'unclassified' if they are not previously reported in the literature and do not have >1% frequency in the population to be considered a polymorphism. Research indicates that truncating mutations in the TTN gene are expected to account for approximately 25% of familial and 18% of sporadic idiopathic DCM; however, truncating variants in the TTN gene have been reported in approximately 3% of reported control alleles. There has been little investigation into non-truncating variants. (Herman D et al. Truncations of titin causing dilated cardiomyopathy. N Eng J Med 366:619-628, 2012) The variant is found in DCM panel(s).

NM_001267550.2(TTN):c.52693C>G (p.His17565Asp)

Genes: TTN (titin; minus strand), TTN-AS1 (TTN antisense RNA 1; plus strand), LOC126806425 (BRD4-independent group 4 enhancer GRCh37_chr2:179471933-179473132; plus strand). Cytogenetic location: 2q31.2.
Variant type: single nucleotide variant.
Coding change: c.52693C>G on transcript NM_001267550.2 (MANE Select); coding-DNA position 52693, C replaced by G.
Protein change: p.His17565Asp; replaces histidine 17565 with aspartic acid.
Molecular consequence: missense variant. On other transcripts: non-coding transcript variant (1).
Genome position (GRCh38, 1-based): chr2:178,608,190, G>C on the plus strand (C>G on the coding strand, the complement: TTN is on the minus strand). VCF-style: chr2-178608190-G-C. GRCh37 (hg19) VCF-style: chr2-179472917-G-C.
Other names: p.H15924D:CAT>GAT; c.47770C>G, p.His15924Asp (NM_001256850.1); c.25498C>G, p.His8500Asp (NM_003319.4); c.44989C>G, p.His14997Asp (NM_133378.4); c.25873C>G, p.His8625Asp (NM_133432.3); c.26074C>G, p.His8692Asp (NM_133437.4); short protein forms H15924D, H17565D, H14997D, H8692D, H8625D, H8500D.
Identifiers: ClinVar variation 202701 (VCV000202701.31), dbSNP rs370126872, ClinGen allele CA310025.
Genomic context (GRCh38, chr2:178,608,190, plus strand): 5'-TGTACAATAGCTTGTTCTACTCCACCTTCTTCTTAAGGAACTACTTACAGATTGGATCAT[G>C]TGCTGTTTTGGGATCTGAAGGTGGACTGAACTTTCCAGGTCCAGCTGCATTTTCAGCACA-3'
Protein context (NP_001254479.2, residues 17555-17575): FSPPSDPKTA[His17565Asp]DPISPPGPPI